The following is an entry in ClinVar:

NM_016169.4(SUFU):c.169A>G (p.Ile57Val)

Gene: SUFU (SUFU negative regulator of hedgehog signaling; plus strand). Cytogenetic location: 10q24.32.
Variant type: single nucleotide variant.
Coding change: c.169A>G on transcript NM_016169.4 (MANE Select); coding-DNA position 169, A replaced by G.
Protein change: p.Ile57Val; replaces isoleucine 57 with valine.
Molecular consequence: missense variant.
Genome position (GRCh38, 1-based): chr10:102,504,321, A>G. VCF-style: chr10-102504321-A-G. GRCh37 (hg19) VCF-style: chr10-104264078-A-G.
Other names: c.169A>G, p.Ile57Val (NM_001178133.2); short protein forms I57V.
Identifiers: ClinVar variation 241083 (VCV000241083.22), dbSNP rs377614167, ClinGen allele CA5667602.

ClinVar aggregate classification (germline): Conflicting classifications of pathogenicity. Review status: criteria provided, conflicting classifications (1 of 4 stars). 8 submissions from 8 submitters: Uncertain significance (7); Likely benign (1). Last evaluated 2026-02-01.

Conditions:
Basal cell nevus syndrome 1 (BCNS1). Also called: GORLIN-GOLTZ SYNDROME; MULTIPLE BASAL CELL NEVI, ODONTOGENIC KERATOCYSTS, AND SKELETAL ANOMALIES. Identifiers: MedGen CN376810, MONDO:0958174, OMIM 109400.
Basal cell nevus syndrome 2 (BCNS2). Also called: NEVOID BASAL CELL CARCINOMA SYNDROME 2. Identifiers: MedGen C5830451, MONDO:0958189, OMIM 620343.
Medulloblastoma (MDB). Also called: MEDULLOBLASTOMA PREDISPOSITION SYNDROME; Medulloblastoma, somatic. Identifiers: Orphanet 616, MedGen C0025149, MeSH D008527, MONDO:0007959, OMIM 155255, HP:0002885.
Joubert syndrome 32 (JBTS32). Identifiers: MedGen C4540342, MONDO:0033309, OMIM 617757.
Familial meningioma. Also called: Meningioma, familial, susceptibility to. Identifiers: Orphanet 263662, MedGen C3551915, MONDO:0011789, OMIM 607174.
Gorlin syndrome. Also called: Basal cell nevus syndrome; Nevoid Basal Cell Carcinoma Syndrome. Identifiers: Orphanet 377, MedGen C0004779, MONDO:0007187.
Hereditary cancer-predisposing syndrome. Also called: Neoplastic Syndromes, Hereditary; Tumor predisposition; Hereditary neoplastic syndrome; Hereditary Cancer Syndrome. Identifiers: Orphanet 140162, MedGen C0027672, MeSH D009386, MONDO:0015356.

Allele frequency attached by ClinVar (database versions not stated): gnomAD 0.00002; TOPMed 0.00003; ExAC 0.00004; gnomAD exomes 0.00004; ESP Exome Variant Server 0.00008; 1000 Genomes Project 30x 0.00016; 1000 Genomes Project 0.00020.
gnomAD v4.1: 57 of 1,614,056 alleles (0.0035%); highest among the groups gnomAD compares: South Asian, 0.0088%; no homozygotes.

Submissions (8):

Labcorp Genetics (formerly Invitae), Labcorp
Classification: Uncertain significance for Gorlin syndrome; Medulloblastoma. Last evaluated: 2026-02-01. Review status: criteria provided, single submitter. Criteria: Invitae Variant Classification Sherloc (09022015). Collection method: clinical testing. Allele origin: germline.
Comment: This sequence change replaces isoleucine, which is neutral and non-polar, with valine, which is neutral and non-polar, at codon 57 of the SUFU protein (p.Ile57Val). This variant is present in population databases (rs377614167, gnomAD 0.01%). This variant has not been reported in the literature in individuals affected with SUFU-related conditions. ClinVar contains an entry for this variant (Variation ID: 241083). Invitae Evidence Modeling of protein sequence and biophysical properties (such as structural, functional, and spatial information, amino acid conservation, physicochemical variation, residue mobility, and thermodynamic stability) indicates that this missense variant is not expected to disrupt SUFU protein function with a negative predictive value of 80%. In summary, the available evidence is currently insufficient to determine the role of this variant in disease. Therefore, it has been classified as a Variant of Uncertain Significance.

Center for Genomic Medicine, Rigshospitalet, Copenhagen University Hospital
Classification: Uncertain significance. Last evaluated: 2025-12-29. Review status: criteria provided, single submitter. Criteria: ACMG Guidelines, 2015. Collection method: clinical testing. Allele origin: germline.

St. Jude Molecular Pathology, St. Jude Children's Research Hospital
Classification: Uncertain significance for Basal cell nevus syndrome 1. Last evaluated: 2025-06-17. Review status: criteria provided, single submitter. Criteria: St. Jude Assertion Criteria 2020. Collection method: clinical testing. Allele origin: germline.
Comment: The SUFU c.169A>G p.(Ile57Val) missense change has a maximum subpopulation frequency of 0.01% in gnomAD v2.1.1. The in silico tool REVEL predicts a benign effect on protein function, but to our knowledge this prediction has not been confirmed by functional studies. To our knowledge, this variant has not been reported in individuals with nevoid basal cell carcinoma syndrome. In summary, the evidence currently available is insufficient to determine the clinical significance of this variant. It has therefore been classified as of uncertain significance.

Fulgent Genetics
Classification: Uncertain significance for Medulloblastoma; Familial meningioma; Joubert syndrome 32; Basal cell nevus syndrome 2. Last evaluated: 2024-04-22. Review status: criteria provided, single submitter. Criteria: ACMG Guidelines, 2015. Collection method: clinical testing. Allele origin: germline.

Quest Diagnostics Nichols Institute San Juan Capistrano
Classification: Uncertain significance. Last evaluated: 2022-09-08. Review status: criteria provided, single submitter. Criteria: Quest Diagnostics criteria. Collection method: clinical testing. Allele origin: unknown.
Comment: To the best of our knowledge, the variant has not been reported in the published literature. The frequency of this variant in the general population, 0.000063 (7/110758 chromosomes in European (Non-Finnish) subpopulation), is higher than would generally be expected for pathogenic variants in this gene. Analysis of this variant using bioinformatics tools for the prediction of the effect of amino acid changes on protein structure and function yielded predictions that this variant is benign. Based on the available information, we are unable to determine the clinical significance of this variant.

GeneDx
Classification: Uncertain significance. Last evaluated: 2022-07-11. Review status: criteria provided, single submitter. Criteria: GeneDx Variant Classification Process June 2021. Collection method: clinical testing. Allele origin: germline. Affected: yes.
Comment: In silico analysis supports that this missense variant does not alter protein structure/function; Has not been previously published as pathogenic or benign to our knowledge

Ambry Genetics
Classification: Likely benign for Hereditary cancer-predisposing syndrome. Last evaluated: 2020-09-29. Review status: criteria provided, single submitter. Criteria: Ambry Variant Classification Scheme 2023. Collection method: clinical testing. Allele origin: germline.

Illumina Laboratory Services, Illumina
Classification: Uncertain significance for Medulloblastoma. Last evaluated: 2018-01-12. Review status: criteria provided, single submitter. Criteria: ICSL Variant Classification Criteria 13 December 2019. Collection method: clinical testing. Allele origin: germline.